The following is an entry in ClinVar:

ClinVar aggregate classification (germline): Uncertain significance (1 of 4 stars; one submission).

Conditions:
Gastrointestinal stromal tumor. Also called: Gastrointestinal stromal tumor, somatic; Gastrointestinal stroma tumor. Identifiers: Orphanet 44890, MedGen C0238198, MeSH D046152, MONDO:0011719, OMIM 606764, HP:0100723.

Submission:

Labcorp Genetics (formerly Invitae), Labcorp
Classification: Uncertain significance for Gastrointestinal stromal tumor. Last evaluated: 2025-08-02. Review status: criteria provided, single submitter. Criteria: Invitae Variant Classification Sherloc (09022015). Collection method: clinical testing. Allele origin: germline.
Comment: This sequence change replaces aspartic acid, which is acidic and polar, with valine, which is neutral and non-polar, at codon 820 of the KIT protein (p.Asp820Val). This variant is not present in population databases (gnomAD no frequency). This missense change has been observed in individual(s) with gastrointestinal stromal tumor (PMID: 35821557). An algorithm developed to predict the effect of missense changes on protein structure and function (PolyPhen-2) suggests that this variant is likely to be disruptive. This variant disrupts the p.Asp820 amino acid residue in KIT. Other variant(s) that disrupt this residue have been determined to be pathogenic (PMID: 11984533, 16327443, 19847891). This suggests that this residue is clinically significant, and that variants that disrupt this residue are likely to be disease-causing. In summary, the available evidence is currently insufficient to determine the role of this variant in disease. Therefore, it has been classified as a Variant of Uncertain Significance.

Literature cited by the submitters: PubMed 35821557; PubMed 11984533; PubMed 16327443; PubMed 19847891.

NM_000222.3(KIT):c.2459A>T (p.Asp820Val)

Gene: KIT (KIT proto-oncogene, receptor tyrosine kinase; plus strand). Cytogenetic location: 4q12.
Variant type: single nucleotide variant.
Coding change: c.2459A>T on transcript NM_000222.3 (MANE Select); coding-DNA position 2459, A replaced by T.
Protein change: p.Asp820Val; replaces aspartic acid 820 with valine.
Molecular consequence: missense variant.
Genome position (GRCh38, 1-based): chr4:54,733,167, A>T. VCF-style: chr4-54733167-A-T. GRCh37 (hg19) VCF-style: chr4-55599333-A-T.
Other names: c.2447A>T, p.Asp816Val (NM_001093772.2, NM_001385292.1); c.2462A>T, p.Asp821Val (NM_001385284.1); c.2456A>T, p.Asp819Val (NM_001385285.1); c.2444A>T, p.Asp815Val (NM_001385286.1); c.2450A>T, p.Asp817Val (NM_001385288.1); c.2459A>T, p.Asp820Val (NM_001385290.1); short protein forms D820V, D816V, D815V, D817V, D819V, D821V.
Identifiers: ClinVar variation 4710726 (VCV004710726.1), dbSNP rs121913682.